The following is an entry in ClinVar:

NM_177438.3(DICER1):c.1753-14T>C

Gene: DICER1 (dicer 1, ribonuclease III; minus strand). Cytogenetic location: 14q32.13.
Variant type: single nucleotide variant.
Coding change: c.1753-14T>C on transcript NM_177438.3 (MANE Select); 14 bases into the intron before coding-DNA position 1753, T replaced by C.
Molecular consequence: intron variant.
Genome position (GRCh38, 1-based): chr14:95,115,835, A>G on the plus strand (T>C on the coding strand, the complement: DICER1 is on the minus strand). VCF-style: chr14-95115835-A-G. GRCh37 (hg19) VCF-style: chr14-95582172-A-G.
Other names: c.1753-14T>C (NM_001271282.3, NM_001195573.1, NM_001291628.2 and 1 more transcripts).
Identifiers: ClinVar variation 1602060 (VCV001602060.10), dbSNP rs2140115271, ClinGen allele CA2573150501.

ClinVar aggregate classification (germline): Likely benign. Review status: criteria provided, multiple submitters, no conflicts (2 of 4 stars). 2 submissions from 2 submitters: Likely benign (2). Last evaluated 2026-04-13.

Conditions:
DICER1-related tumor predisposition. Also called: DICER1-related pleuropulmonary blastoma cancer predisposition syndrome; DICER1 syndrome. Identifiers: Orphanet 284343, MedGen C3839822, MONDO:0100216.

Submissions (2):

Myriad Genetics, Inc.
Classification: Likely benign for DICER1-related tumor predisposition. Last evaluated: 2026-04-13. Review status: criteria provided, single submitter. Criteria: Myriad Autosomal Dominant, Autosomal Recessive and X-Linked Classification Criteria (2023). Collection method: clinical testing. Allele origin: unknown.
Comment: This variant is considered likely benign. This variant is intronic and is not expected to impact mRNA splicing.

Labcorp Genetics (formerly Invitae), Labcorp
Classification: Likely benign for DICER1-related tumor predisposition. Last evaluated: 2025-09-30. Review status: criteria provided, single submitter. Criteria: Invitae Variant Classification Sherloc (09022015). Collection method: clinical testing. Allele origin: germline.